The following is an entry in ClinVar:

NM_000548.5(TSC2):c.3095G>A (p.Arg1032Gln)

Gene: TSC2 (TSC complex subunit 2; plus strand). Cytogenetic location: 16p13.3.
Variant type: single nucleotide variant.
Coding change: c.3095G>A on transcript NM_000548.5 (MANE Select); coding-DNA position 3095, G replaced by A.
Protein change: p.Arg1032Gln; replaces arginine 1032 with glutamine.
Molecular consequence: missense variant.
Genome position (GRCh38, 1-based): chr16:2,079,160, G>A. VCF-style: chr16-2079160-G-A. GRCh37 (hg19) VCF-style: chr16-2129161-G-A.
Other names: c.2963G>A, p.Arg988Gln (NM_001077183.3, NM_001370404.1); c.3095G>A, p.Arg1032Gln (NM_001114382.3); c.2855G>A, p.Arg952Gln (NM_001318827.2); c.2819G>A, p.Arg940Gln (NM_001318829.2); c.2363G>A, p.Arg788Gln (NM_001318831.2); c.2996G>A, p.Arg999Gln (NM_001318832.2); c.2966G>A, p.Arg989Gln (NM_001363528.2, NM_001370405.1, NM_021055.3); short protein forms R1032Q, R988Q, R999Q, R788Q, R940Q, R952Q, R989Q.
Identifiers: ClinVar variation 535975 (VCV000535975.17), dbSNP rs45491698, ClinGen allele CA044175.
Genomic context (GRCh38, chr16:2,079,160, plus strand): 5'-ACGATAGCCTGAAAAACCTCCACCTGGAGCTCACGGAAACCTGTCTGGACATGATGGCTC[G>A]ATACGTCTTCTCCAACTTCACGGCTGTCCCGAAGAGGTCCAGGCGGCACTACAGGGCTGG-3'
Protein context (NP_000539.2, residues 1022-1042): LTETCLDMMA[Arg1032Gln]YVFSNFTAVP

ClinVar aggregate classification (germline): Uncertain significance. Review status: criteria provided, multiple submitters, no conflicts (2 of 4 stars). 5 submissions from 5 submitters: Uncertain significance (5). Last evaluated 2025-12-15.

Conditions:
Isolated focal cortical dysplasia type II (FCORD2). Also called: CORTICAL DYSPLASIA OF TAYLOR; Focal cortical dysplasia type II. Identifiers: Orphanet 268994, MedGen C1846385, MONDO:0011818, OMIM 607341, HP:0032051.
Tuberous sclerosis 2 (TSC2). Identifiers: Orphanet 805, MedGen C1860707, MONDO:0013199, OMIM 613254.
Lymphangiomyomatosis (LAM). Also called: Lymphangioleiomyomatosis; Lymphangioleiomyomatosis, somatic. Identifiers: Orphanet 538, MedGen C0751674, MONDO:0011705, OMIM 606690.
Hereditary cancer-predisposing syndrome. Also called: Neoplastic Syndromes, Hereditary; Hereditary Cancer Syndrome; Hereditary neoplastic syndrome; Tumor predisposition. Identifiers: Orphanet 140162, MedGen C0027672, MeSH D009386, MONDO:0015356.

Allele frequency attached by ClinVar (database versions not stated): ExAC 0.00001; gnomAD exomes below 0.00001.
gnomAD v4.1: 1 of 1,612,968 alleles (0.000062%); highest among the groups gnomAD compares: Non-Finnish European, 0.000085%; no homozygotes.

Submissions (5):

Labcorp Genetics (formerly Invitae), Labcorp
Classification: Uncertain significance for Tuberous sclerosis 2. Last evaluated: 2025-12-15. Review status: criteria provided, single submitter. Criteria: Invitae Variant Classification Sherloc (09022015). Collection method: clinical testing. Allele origin: germline.
Comment: This sequence change replaces arginine, which is basic and polar, with glutamine, which is neutral and polar, at codon 1032 of the TSC2 protein (p.Arg1032Gln). This variant is present in population databases (rs45491698, gnomAD 0.0009%). This variant has not been reported in the literature in individuals affected with TSC2-related conditions. ClinVar contains an entry for this variant (Variation ID: 535975). Invitae Evidence Modeling of protein sequence and biophysical properties (such as structural, functional, and spatial information, amino acid conservation, physicochemical variation, residue mobility, and thermodynamic stability) has been performed for this missense variant. However, the output from this modeling did not meet the statistical confidence thresholds required to predict the impact of this variant on TSC2 protein function. This variant disrupts the p.Arg1032 amino acid residue in TSC2. Other variant(s) that disrupt this residue have been determined to be pathogenic (PMID: 21309039, 21520333). This suggests that this residue is clinically significant, and that variants that disrupt this residue are likely to be disease-causing. In summary, the available evidence is currently insufficient to determine the role of this variant in disease. Therefore, it has been classified as a Variant of Uncertain Significance.

Clinical Genomics Laboratory, Washington University in St. Louis
Classification: Uncertain significance for Tuberous sclerosis 2. Last evaluated: 2025-11-18. Review status: criteria provided, single submitter. Criteria: ACMG Guidelines, 2015. Collection method: clinical testing. Allele origin: germline.
Comment: The TSC2 c.3095G>A (p.Arg1032Gln) variant, to our knowledge, has not been reported in the medical literature. This variant has been reported in the ClinVar database as a germline variant of uncertain significance by four submitters. This variant is only observed in 1/250,626 alleles in the general population (gnomAD v.2.1.1), indicating it is not a common variant. Computational predictors indicate that the variant is damaging, evidence that correlates with impact to TSC2 function. Another variant in the same codon, c.3095G>C (p.Arg1032Pro) has been classified by other laboratories as likely pathogenic/pathogenic (Variation ID: 49241). Due to limited information, and based on ACMG/AMP guidelines for variant interpretation (Richards S et al., PMID: 25741868), the clinical significance of this variant is uncertain at this time.

Ambry Genetics
Classification: Uncertain significance for Hereditary cancer-predisposing syndrome. Last evaluated: 2024-02-20. Review status: criteria provided, single submitter. Criteria: Ambry Variant Classification Scheme 2023. Collection method: clinical testing. Allele origin: germline.
Comment: The p.R1032Q variant (also known as c.3095G>A), located in coding exon 26 of the TSC2 gene, results from a G to A substitution at nucleotide position 3095. The arginine at codon 1032 is replaced by glutamine, an amino acid with highly similar properties. This amino acid position is highly conserved in available vertebrate species. In addition, this alteration is predicted to be deleterious by in silico analysis. Since supporting evidence is limited at this time, the clinical significance of this alteration remains unclear.

Fulgent Genetics
Classification: Uncertain significance for Lymphangiomyomatosis; Isolated focal cortical dysplasia type II; Tuberous sclerosis 2. Last evaluated: 2024-02-07. Review status: criteria provided, single submitter. Criteria: ACMG Guidelines, 2015. Collection method: clinical testing. Allele origin: germline.

Genetics and Molecular Pathology, SA Pathology
Classification: Uncertain significance for Tuberous sclerosis 2. Last evaluated: 2021-09-02. Review status: criteria provided, single submitter. Criteria: ACMG Guidelines, 2015. Collection method: clinical testing. Allele origin: germline. Inheritance: Autosomal dominant inheritance. Affected: yes.

Literature cited by the submitters: PubMed 21309039 (cited by Labcorp Genetics (formerly Invitae), Labcorp); PubMed 21520333 (cited by Labcorp Genetics (formerly Invitae), Labcorp).